The following is an entry in ClinVar:

ClinVar aggregate classification (germline): Pathogenic (1 of 4 stars; one submission).

Conditions:
Glycine encephalopathy. Also called: Nonketotic hyperglycinemia; Non-ketotic hyperglycinemia. Identifiers: Orphanet 407, MedGen C0751748, MONDO:0011612, HP:0008288.

Submission:

Labcorp Genetics (formerly Invitae), Labcorp
Classification: Pathogenic for Glycine encephalopathy. Last evaluated: 2020-07-16. Review status: criteria provided, single submitter. Criteria: Invitae Variant Classification Sherloc (09022015). Collection method: clinical testing. Allele origin: germline.
Comment: The frequency data for this variant in the population databases is considered unreliable, as metrics indicate insufficient coverage at this position in the ExAC database. This sequence change creates a premature translational stop signal (p.Gly41Alafs*50) in the GLDC gene. It is expected to result in an absent or disrupted protein product. This variant has not been reported in the literature in individuals with GLDC-related conditions. For these reasons, this variant has been classified as Pathogenic. Loss-of-function variants in GLDC are known to be pathogenic (PMID: 16601880).

Literature cited by the submitters: PubMed 16601880.

NM_000170.3(GLDC):c.122del (p.Gly41fs)

Gene: GLDC (glycine decarboxylase; minus strand). Cytogenetic location: 9p24.1.
Variant type: Deletion.
Coding change: c.122del on transcript NM_000170.3 (MANE Select); coding-DNA position 122, one base deleted (G; older notation c.122delG).
Protein change: p.Gly41fs; shifts the reading frame from glycine 41.
Molecular consequence: frameshift variant.
Genome position (GRCh38, 1-based): chr9:6,645,378, C deleted on the plus strand (G on the coding strand, the reverse complement: GLDC is on the minus strand); the first of 2 consecutive C bases (chr9:6,645,378-6,645,379); deleting either gives the same sequence. VCF-style (leftmost placement, unchanged base first): chr9-6645377-GC-G. GRCh37 (hg19) VCF-style: chr9-6645377-GC-G.
Other names: short protein forms G41fs.
Identifiers: ClinVar variation 1075996 (VCV001075996.7), dbSNP rs2130032358, ClinGen allele CA2499219940.